The following is an entry in ClinVar:

NM_000372.5(TYR):c.265del (p.Cys89fs)

Gene: TYR (tyrosinase; plus strand). Cytogenetic location: 11q14.3.
Variant type: Deletion.
Coding change: c.265del on transcript NM_000372.5 (MANE Select); coding-DNA position 265, one base deleted (T; older notation c.265delT).
Protein change: p.Cys89fs; shifts the reading frame from cysteine 89.
Molecular consequence: frameshift variant.
Genome position (GRCh38, 1-based): chr11:89,178,218, T deleted. VCF-style (leftmost placement, unchanged base first): chr11-89178217-CT-C. GRCh37 (hg19) VCF-style: chr11-88911385-CT-C.
Other names: short protein forms C89fs.
Identifiers: ClinVar variation 4081817 (VCV004081817.1).

ClinVar aggregate classification (germline): Pathogenic (1 of 4 stars; one submission).

Conditions:
Oculocutaneous albinism type 1. Also called: Albinism 1; ALBINISM I. Identifiers: Orphanet 352731, MedGen C0268494, MONDO:0018135. Disease mechanism: loss of function.

Submission:

Myriad Genetics, Inc.
Classification: Pathogenic for Oculocutaneous albinism type 1. Last evaluated: 2025-04-09. Review status: criteria provided, single submitter. Criteria: Myriad Autosomal Dominant, Autosomal Recessive and X-Linked Classification Criteria (2023). Collection method: clinical testing. Allele origin: unknown.
Comment: NM_000372.4(TYR):c.265delT(C89Afs*31) is a frameshift variant classified as pathogenic in the context of oculocutaneous albinism, TYR-related. C89Afs*31 has not been observed in cases with relevant disease. Relevant functional assessments of this variant are not available in the literature. C89Afs*31 has not been observed in referenced population frequency databases. In summary, NM_000372.4(TYR):c.265delT(C89Afs*31) is a frameshift variant in a gene where loss of function is a known mechanism of disease and is predicted to disrupt protein function. Please note: this variant was assessed in the context of healthy population screening.